The following is an entry in ClinVar:

ClinVar aggregate classification (germline): Uncertain significance. Review status: criteria provided, multiple submitters, no conflicts (2 of 4 stars). 2 submissions from 2 submitters: Uncertain significance (2). Last evaluated 2025-11-06.

Conditions:
Hereditary cancer-predisposing syndrome. Also called: Neoplastic Syndromes, Hereditary; Tumor predisposition; Hereditary Cancer Syndrome; Hereditary neoplastic syndrome. Identifiers: Orphanet 140162, MedGen C0027672, MeSH D009386, MONDO:0015356.
Ataxia-telangiectasia syndrome (AT). Also called: Ataxia telangiectasia (A-T); ATAXIA-TELANGIECTASIA, COMPLEMENTATION GROUP A; ATAXIA-TELANGIECTASIA, FRESNO VARIANT; Ataxia-telangiectasia; Ataxia-telangiectasia, complementation group E; LOUIS-BAR SYNDROME. Identifiers: Orphanet 100, MedGen C0004135, MONDO:0008840, OMIM 208900.

Submissions (2):

Labcorp Genetics (formerly Invitae), Labcorp
Classification: Uncertain significance for Ataxia-telangiectasia syndrome. Last evaluated: 2025-11-06. Review status: criteria provided, single submitter. Criteria: Invitae Variant Classification Sherloc (09022015). Collection method: clinical testing. Allele origin: germline.
Comment: This sequence change replaces arginine, which is basic and polar, with proline, which is neutral and non-polar, at codon 2453 of the ATM protein (p.Arg2453Pro). This variant is not present in population databases (gnomAD no frequency). This variant has not been reported in the literature in individuals affected with ATM-related conditions. ClinVar contains an entry for this variant (Variation ID: 1026094). Invitae Evidence Modeling of protein sequence and biophysical properties (such as structural, functional, and spatial information, amino acid conservation, physicochemical variation, residue mobility, and thermodynamic stability) indicates that this missense variant is not expected to disrupt ATM protein function with a negative predictive value of 95%. In summary, the available evidence is currently insufficient to determine the role of this variant in disease. Therefore, it has been classified as a Variant of Uncertain Significance.

Ambry Genetics
Classification: Uncertain significance for Hereditary cancer-predisposing syndrome. Last evaluated: 2025-07-03. Review status: criteria provided, single submitter. Criteria: Ambry Variant Classification Scheme 2023. Collection method: clinical testing. Allele origin: germline.
Comment: The p.R2453P variant (also known as c.7358G>C), located in coding exon 49 of the ATM gene, results from a G to C substitution at nucleotide position 7358. The arginine at codon 2453 is replaced by proline, an amino acid with dissimilar properties. This amino acid position is not well conserved in available vertebrate species. In addition, this alteration is predicted to be tolerated by in silico analysis. Based on the available evidence, the clinical significance of this variant remains unclear.

NM_000051.4(ATM):c.7358G>C (p.Arg2453Pro)

Genes: ATM (ATM serine/threonine kinase; plus strand), C11orf65 (chromosome 11 open reading frame 65; minus strand). Cytogenetic location: 11q22.3.
Variant type: single nucleotide variant.
Coding change: c.7358G>C on transcript NM_000051.4 (MANE Select); coding-DNA position 7358, G replaced by C.
Protein change: p.Arg2453Pro; replaces arginine 2453 with proline.
Molecular consequence: missense variant. On other transcripts: intron variant (2).
Genome position (GRCh38, 1-based): chr11:108,330,264, G>C. VCF-style: chr11-108330264-G-C. GRCh37 (hg19) VCF-style: chr11-108200991-G-C.
Other names: c.7358G>C, p.Arg2453Pro (NM_001351834.2); c.641-21193C>G (NM_001330368.2); c.*38+4956C>G (NM_001351110.2); short protein forms R2453P.
Identifiers: ClinVar variation 1026094 (VCV001026094.10), dbSNP rs587781361, ClinGen allele CA382559957.